The following is an entry in ClinVar:

NM_001244710.2(GFPT1):c.145G>T (p.Asp49Tyr)

Gene: GFPT1 (glutamine--fructose-6-phosphate transaminase 1; minus strand). Cytogenetic location: 2p13.3.
Variant type: single nucleotide variant.
Coding change: c.145G>T on transcript NM_001244710.2 (MANE Select); coding-DNA position 145, G replaced by T.
Protein change: p.Asp49Tyr; replaces aspartic acid 49 with tyrosine.
Molecular consequence: missense variant.
Genome position (GRCh38, 1-based): chr2:69,370,079, C>A on the plus strand (G>T on the coding strand, the complement: GFPT1 is on the minus strand). VCF-style: chr2-69370079-C-A. GRCh37 (hg19) VCF-style: chr2-69597211-C-A.
Other names: c.145G>T, p.Asp49Tyr (NM_002056.4); short protein forms D49Y.
Identifiers: ClinVar variation 2163474 (VCV002163474.4), dbSNP rs770302575, ClinGen allele CA1693961.

ClinVar aggregate classification (germline): Uncertain significance (1 of 4 stars; one submission).

Conditions:
Congenital myasthenic syndrome 12 (CMS12). Also called: MYASTHENIC SYNDROME, CONGENITAL, WITH TUBULAR AGGREGATES 1; Myasthenia, congenital, 12, with tubular aggregates. Identifiers: Orphanet 353327, Orphanet 590, MedGen C3552335, MONDO:0012518, OMIM 610542.

Allele frequency attached by ClinVar (database versions not stated): gnomAD exomes below 0.00001; ExAC 0.00001.
gnomAD v4.1: 2 of 1,610,788 alleles (0.00012%); highest among the groups gnomAD compares: Non-Finnish European, 0.00017%; no homozygotes.

Submission:

Labcorp Genetics (formerly Invitae), Labcorp
Classification: Uncertain significance for Congenital myasthenic syndrome 12. Last evaluated: 2022-04-25. Review status: criteria provided, single submitter. Criteria: Invitae Variant Classification Sherloc (09022015). Collection method: clinical testing. Allele origin: germline.
Comment: In summary, the available evidence is currently insufficient to determine the role of this variant in disease. Therefore, it has been classified as a Variant of Uncertain Significance. Algorithms developed to predict the effect of missense changes on protein structure and function are either unavailable or do not agree on the potential impact of this missense change (SIFT: "Deleterious"; PolyPhen-2: "Possibly Damaging"; Align-GVGD: "Class C0"). This variant has not been reported in the literature in individuals affected with GFPT1-related conditions. The frequency data for this variant in the population databases is considered unreliable, as metrics indicate poor data quality at this position in the gnomAD database. This sequence change replaces aspartic acid, which is acidic and polar, with tyrosine, which is neutral and polar, at codon 49 of the GFPT1 protein (p.Asp49Tyr).